The following is an entry in ClinVar:

ClinVar aggregate classification (germline): Uncertain significance (1 of 4 stars; one submission).

Allele frequency attached by ClinVar (database versions not stated): gnomAD exomes 0.00001.
gnomAD v4.1: 9 of 1,424,664 alleles (0.00063%); highest among the groups gnomAD compares: South Asian, 0.013%; no homozygotes.

Submission:

GeneDx
Classification: Uncertain significance. Last evaluated: 2016-12-07. Review status: criteria provided, single submitter. Criteria: GeneDx Variant Classification (06012015). Collection method: clinical testing. Allele origin: germline. Affected: yes.
Comment: The c.-30+5 G>T variant has not been published as a pathogenic variant, nor has it been reported as a benign variant to our knowledge. Adequate data is not available in large population cohorts to assess the frequency of this variant in publicly available databases. Several in-silico splice prediction models predict that c.-30+5 G>T may destroy the natural donor site for exon 1 and lead to abnormal gene splicing. However, exon 1 is noncoding and in the absence of RNA/functional studies, the actual effect of this sequence change in this individual is unknown. Therefore, based on the currently available information, it is unclear whether this variant is a pathogenic variant or a rare benign variant.

NM_000548.5(TSC2):c.-30+5G>T

Genes: TSC2 (TSC complex subunit 2; plus strand), LOC130058210 (ATAC-STARR-seq lymphoblastoid silent region 7024; plus strand). Cytogenetic location: 16p13.3.
Variant type: single nucleotide variant.
Coding change: c.-30+5G>T on transcript NM_000548.5 (MANE Select); 5 bases into the intron after 30 bases upstream of the start codon, G replaced by T.
Molecular consequence: intron variant.
Genome position (GRCh38, 1-based): chr16:2,048,070, G>T. VCF-style: chr16-2048070-G-T. GRCh37 (hg19) VCF-style: chr16-2098071-G-T.
Other names: c.-30+5G>T (NM_001114382.3, NM_021055.3, NM_001370405.1 and 4 more transcripts); c.-256+5G>T (NM_001318831.2); c.-10+5G>T (NM_001318829.2).
Identifiers: ClinVar variation 373780 (VCV000373780.1), dbSNP rs991520392, ClinGen allele CA16042984.